The following is an entry in ClinVar:

ClinVar aggregate classification (germline): Uncertain significance (1 of 4 stars; one submission).

Conditions:
Hyperphosphatasia with impaired intellectual development syndrome 2. Also called: GLYCOSYLPHOSPHATIDYLINOSITOL BIOSYNTHESIS DEFECT 6; Hyperphosphatasia with intellectual disability syndrome 2. Identifiers: Orphanet 247262, MedGen C3553637, MONDO:0013882, OMIM 614749.

Submission:

Labcorp Genetics (formerly Invitae), Labcorp
Classification: Uncertain significance for Hyperphosphatasia with impaired intellectual development syndrome 2. Last evaluated: 2021-11-28. Review status: criteria provided, single submitter. Criteria: Invitae Variant Classification Sherloc (09022015). Collection method: clinical testing. Allele origin: germline.
Comment: This variant is not present in population databases (gnomAD no frequency). This sequence change replaces alanine, which is neutral and non-polar, with glutamic acid, which is acidic and polar, at codon 1001 of the PIGO protein (p.Ala1001Glu). This variant has not been reported in the literature in individuals affected with PIGO-related conditions. Algorithms developed to predict the effect of missense changes on protein structure and function (SIFT, PolyPhen-2, Align-GVGD) all suggest that this variant is likely to be tolerated. In summary, the available evidence is currently insufficient to determine the role of this variant in disease. Therefore, it has been classified as a Variant of Uncertain Significance.

NM_032634.4(PIGO):c.3002C>A (p.Ala1001Glu)

Gene: PIGO (phosphatidylinositol glycan anchor biosynthesis class O; minus strand). Cytogenetic location: 9p13.3.
Variant type: single nucleotide variant.
Coding change: c.3002C>A on transcript NM_032634.4 (MANE Select); coding-DNA position 3002, C replaced by A.
Protein change: p.Ala1001Glu; replaces alanine 1001 with glutamic acid.
Molecular consequence: missense variant.
Genome position (GRCh38, 1-based): chr9:35,090,133, G>T on the plus strand (C>A on the coding strand, the complement: PIGO is on the minus strand). VCF-style: chr9-35090133-G-T. GRCh37 (hg19) VCF-style: chr9-35090130-G-T.
Other names: c.1751C>A, p.Ala584Glu (NM_001201484.2, NM_152850.4); short protein forms A1001E, A584E.
Identifiers: ClinVar variation 2011445 (VCV002011445.4), dbSNP rs149391665, ClinGen allele CA373317687.